The following is an entry in ClinVar:

NM_003000.3(SDHB):c.642+1G>T

Gene: SDHB (succinate dehydrogenase complex iron sulfur subunit B; minus strand). Cytogenetic location: 1p36.13.
Variant type: single nucleotide variant.
Coding change: c.642+1G>T on transcript NM_003000.3 (MANE Select); the canonical splice donor site of the intron after coding-DNA position 642, G replaced by T.
Molecular consequence: splice donor variant.
Genome position (GRCh38, 1-based): chr1:17,023,972, C>A on the plus strand (G>T on the coding strand, the complement: SDHB is on the minus strand). VCF-style: chr1-17023972-C-A. GRCh37 (hg19) VCF-style: chr1-17350467-C-A.
Other names: c.588+1G>T (NM_001407361.1).
Identifiers: ClinVar variation 4687368 (VCV004687368.2).

ClinVar aggregate classification (germline): Pathogenic/Likely pathogenic. Review status: criteria provided, multiple submitters, no conflicts (2 of 4 stars). 2 submissions from 2 submitters: Pathogenic (1); Likely pathogenic (1). Last evaluated 2025-10-10.

Conditions:
Hereditary pheochromocytoma and paraganglioma. Also called: Hereditary Paraganglioma-Pheochromocytoma Syndromes; Hereditary paragangliomas and pheochromocytomas; Hereditary pheochromocytoma-paraganglioma. Identifiers: Orphanet 29072, MedGen C4274332, MONDO:0017366.
Pheochromocytoma. Also called: MAX-Related Hereditary Paraganglioma-Pheochromocytoma Syndrome. Identifiers: Orphanet 29072, MedGen C0031511, MONDO:0008233, OMIM 171300, HP:0002666.
Gastrointestinal stromal tumor. Also called: Gastrointestinal stromal tumor, somatic; Gastrointestinal stroma tumor. Identifiers: Orphanet 44890, MedGen C0238198, MeSH D046152, MONDO:0011719, OMIM 606764, HP:0100723.
Pheochromocytoma/paraganglioma syndrome 4. Also called: CAROTID BODY TUMORS AND MULTIPLE EXTRAADRENAL PHEOCHROMOCYTOMAS; PARAGANGLIOMA, FAMILIAL MALIGNANT; PARAGANGLIOMAS, HEREDITARY EXTRAADRENAL; PHEOCHROMOCYTOMA, FAMILIAL EXTRAADRENAL; Paragangliomas 4; SDHB-Related Hereditary Paraganglioma-Pheochromocytoma Syndrome (Paragangliomas 4). Identifiers: Orphanet 29072, MedGen C1861848, MONDO:0007273, OMIM 115310.

Submissions (2):

Women's Health and Genetics/Laboratory Corporation of America, LabCorp
Classification: Likely pathogenic for Hereditary pheochromocytoma and paraganglioma. Last evaluated: 2025-10-10. Review status: criteria provided, single submitter. Criteria: LabCorp Variant Classification Summary - May 2015. Collection method: clinical testing. Allele origin: germline.
Comment: Variant summary: SDHB c.642+1G>T is located in a canonical splice-site and is predicted to affect mRNA splicing resulting in a significantly altered protein due to either exon skipping, shortening, or inclusion of intronic material. Variants that disrupt the consensus splice site are a relatively common cause of aberrant splicing and loss of SDHB function. Several computational tools predict a significant impact on normal splicing: Four predict the variant abolishes a 5' splicing donor site. However, these predictions have yet to be confirmed by functional studies. The variant was absent in 251290 control chromosomes. c.642+1G>T has been observed in at least one individual affected with Hereditary Paraganglioma-Pheochromocytoma Syndrome (e.g. Andrews_2018, Benn_2018). To our knowledge, no experimental evidence demonstrating an impact on protein function has been reported. The following publications have been ascertained in the context of this evaluation (PMID: 29386252, 30201732). No submitters have cited clinical-significance assessments for this variant to ClinVar. Based on the evidence outlined above, the variant was classified as likely pathogenic.

Labcorp Genetics (formerly Invitae), Labcorp
Classification: Pathogenic for Gastrointestinal stromal tumor; Pheochromocytoma/paraganglioma syndrome 4; Pheochromocytoma. Last evaluated: 2025-05-19. Review status: criteria provided, single submitter. Criteria: Invitae Variant Classification Sherloc (09022015). Collection method: clinical testing. Allele origin: germline.
Comment: This sequence change affects a donor splice site in intron 6 of the SDHB gene. It is expected to disrupt RNA splicing. Variants that disrupt the donor or acceptor splice site typically lead to a loss of protein function (PMID: 16199547), and loss-of-function variants in SDHB are known to be pathogenic (PMID: 19454582, 19802898). This variant is not present in population databases (gnomAD no frequency). Disruption of this splice site has been observed in individuals with paraganglioma-pheochromocytoma syndrome (PMID: 31492822; internal data). Algorithms developed to predict the effect of sequence changes on RNA splicing suggest that this variant may disrupt the consensus splice site. For these reasons, this variant has been classified as Pathogenic.

Literature cited by the submitters: PubMed 30201732 (cited by Women's Health and Genetics/Laboratory Corporation of America, LabCorp); PubMed 29386252 (cited by Women's Health and Genetics/Laboratory Corporation of America, LabCorp); PubMed 16199547 (cited by Labcorp Genetics (formerly Invitae), Labcorp); PubMed 19454582 (cited by Labcorp Genetics (formerly Invitae), Labcorp); PubMed 19802898 (cited by Labcorp Genetics (formerly Invitae), Labcorp); PubMed 31492822 (cited by Labcorp Genetics (formerly Invitae), Labcorp).